The following is an entry in ClinVar:

ClinVar aggregate classification (germline): Benign/Likely benign. Review status: criteria provided, multiple submitters, no conflicts (2 of 4 stars). 13 submissions from 13 submitters: Benign (5); Likely benign (4). 4 of the submissions do not count toward it. Last evaluated 2026-02-03.

Conditions:
Rothmund-Thomson syndrome type 2 (RTS2). Identifiers: Orphanet 221016, MedGen C5203410, MONDO:0016369, OMIM 268400.
Hereditary cancer-predisposing syndrome. Also called: Tumor predisposition; Hereditary neoplastic syndrome; Neoplastic Syndromes, Hereditary; Hereditary Cancer Syndrome. Identifiers: Orphanet 140162, MedGen C0027672, MeSH D009386, MONDO:0015356.
Baller-Gerold syndrome (BGS). Also called: CRANIOSYNOSTOSIS WITH RADIAL DEFECTS. Identifiers: Orphanet 1225, MedGen C0265308, MONDO:0009039, OMIM 218600.

Allele frequency attached by ClinVar (database versions not stated): gnomAD exomes 0.00317 and 0.00365; ESP Exome Variant Server 0.00494; ExAC 0.00545; 1000 Genomes Project 0.00938; gnomAD 0.00971 and 0.01041; 1000 Genomes Project 30x 0.01062; TOPMed 0.01110.
gnomAD v4.1: 6,173 of 1,596,194 alleles (0.39%); highest among the groups gnomAD compares: African/African-American, 2.8%; 43 homozygotes.

Submissions (13):

Labcorp Genetics (formerly Invitae), Labcorp
Classification: Benign for Baller-Gerold syndrome. Last evaluated: 2026-02-03. Review status: criteria provided, single submitter. Criteria: Invitae Variant Classification Sherloc (09022015). Collection method: clinical testing. Allele origin: germline.

Blueprint Genetics
Classification: Likely benign. Last evaluated: 2024-11-27. Review status: criteria provided, single submitter. Criteria: ACMG Guidelines, 2015. Collection method: clinical testing. Allele origin: germline.

KCCC/NGS Laboratory, Kuwait Cancer Control Center
Classification: Benign for Rothmund-Thomson syndrome type 2. Last evaluated: 2023-07-07. Review status: criteria provided, single submitter. Criteria: ACMG Guidelines, 2015. Collection method: clinical testing. Allele origin: germline. Affected: yes.

GeneDx
Classification: Likely benign. Last evaluated: 2021-05-19. Review status: criteria provided, single submitter. Criteria: GeneDx Variant Classification Process June 2021. Collection method: clinical testing. Allele origin: germline. Affected: yes.

Genetic Services Laboratory, University of Chicago
Classification: Benign. Last evaluated: 2021-05-03. Review status: criteria provided, single submitter. Criteria: ACMG Guidelines, 2015. Collection method: clinical testing. Allele origin: germline. Affected: no.

Sema4
Classification: Benign for Hereditary cancer-predisposing syndrome. Last evaluated: 2020-10-09. Review status: criteria provided, single submitter. Criteria: Sema4 Curation Guidelines. Collection method: curation. Allele origin: germline.

Center for Pediatric Genomic Medicine, Children's Mercy Hospital and Clinics
Classification: Likely benign. Last evaluated: 2016-12-05. Review status: criteria provided, single submitter. Criteria: ACMG Guidelines, 2015. Collection method: clinical testing. Allele origin: germline.
ClinVar note: Converted during submission from Likely Benign to Likely benign.

Eurofins Ntd Llc (ga)
Classification: Benign. Last evaluated: 2016-06-28. Review status: criteria provided, single submitter. Criteria: EGL Classification Definitions 2015. Collection method: clinical testing. Allele origin: germline. Observed: 3 variant alleles, 3 heterozygotes.

Breakthrough Genomics
Classification: Likely benign. Review status: criteria provided, single submitter. Criteria: ACMG Guidelines, 2015. Collection method: not provided. Allele origin: germline. Inheritance: Autosomal recessive inheritance. Affected: yes.

ITMI
No classification provided. Condition: AllHighlyPenetrant. Last evaluated: 2013-09-19. Review status: no classification provided. Collection method: reference population. Allele origin: germline. Not counted in ClinVar's aggregate classification.
Comment: Please see associated publication for description of ethnicities

Clinical Genetics DNA and cytogenetics Diagnostics Lab, Erasmus MC, Erasmus Medical Center
Classification: Benign. Review status: no assertion criteria provided. Collection method: clinical testing. Allele origin: germline. Affected: yes. Study: VKGL Data-share Consensus. Not counted in ClinVar's aggregate classification.

Genome Diagnostics Laboratory, Amsterdam University Medical Center
Classification: Benign. Review status: no assertion criteria provided. Collection method: clinical testing. Allele origin: germline. Affected: yes. Study: VKGL Data-share Consensus. Not counted in ClinVar's aggregate classification.

Laboratory of Diagnostic Genome Analysis, Leiden University Medical Center (LUMC)
Classification: Likely benign. Review status: no assertion criteria provided. Collection method: clinical testing. Allele origin: germline. Affected: yes. Study: VKGL Data-share Consensus. Not counted in ClinVar's aggregate classification.

Literature cited by the submitters: PubMed 24728327 (cited by ITMI).

NM_004260.4(RECQL4):c.161A>G (p.Gln54Arg)

Genes: RECQL4 (RecQ like helicase 4; minus strand), LOC130001411 (ATAC-STARR-seq lymphoblastoid silent region 19699; plus strand). Cytogenetic location: 8q24.3.
Variant type: single nucleotide variant.
Coding change: c.161A>G on transcript NM_004260.4 (MANE Select); coding-DNA position 161, A replaced by G.
Protein change: p.Gln54Arg; replaces glutamine 54 with arginine.
Molecular consequence: missense variant.
Genome position (GRCh38, 1-based): chr8:144,517,466, T>C on the plus strand (A>G on the coding strand, the complement: RECQL4 is on the minus strand). VCF-style: chr8-144517466-T-C. GRCh37 (hg19) VCF-style: chr8-145742850-T-C.
Other names: short protein forms Q54R.
Identifiers: ClinVar variation 135157 (VCV000135157.28), dbSNP rs35198096, ClinGen allele CA161871.